The following is an entry in ClinVar:

ClinVar aggregate classification (germline): Benign. Review status: criteria provided, multiple submitters, no conflicts (2 of 4 stars). 6 submissions from 6 submitters: Benign (4). 2 of the submissions do not count toward it. Last evaluated 2026-02-03.

Conditions:
NUP62-related disorder. Also called: NUP62-related condition.
Infantile bilateral striatal necrosis. Identifiers: Orphanet 1576, MedGen C0795996, MONDO:0015518.

Allele frequency attached by ClinVar (database versions not stated): TOPMed 0.33269; gnomAD 0.34391 and 0.34519; ExAC 0.35175; ESP Exome Variant Server 0.31625; 1000 Genomes Project 0.31629; gnomAD exomes 0.36116.
gnomAD v4.1: 586,300 of 1,605,456 alleles (37%); highest among the groups gnomAD compares: East Asian, 41%; 108,898 homozygotes.

Submissions (6):

Labcorp Genetics (formerly Invitae), Labcorp
Classification: Benign. Last evaluated: 2026-02-03. Review status: criteria provided, single submitter. Criteria: Invitae Variant Classification Sherloc (09022015). Collection method: clinical testing. Allele origin: germline.

Unidad de Genómica Garrahan, Hospital de Pediatría Garrahan
Classification: Benign. Last evaluated: 2024-07-31. Review status: criteria provided, single submitter. Criteria: ACMG Guidelines, 2015. Collection method: clinical testing. Allele origin: germline. Affected: no. Observed: 60 variant alleles.
Comment: This variant is classified as Benign based on local population frequency. This variant was detected in 65% of patients studied in a panel designed for Epileptic and Developmental Encephalopathy, Progressive Myoclonus Epilepsy and Abnormal Movements and Neurodegeneration with brain iron accumulation. Number of patients: 60. Only high quality variants are reported.

Genome-Nilou Lab
Classification: Benign for Familial infantile bilateral striatal necrosis. Last evaluated: 2021-09-05. Review status: criteria provided, single submitter. Criteria: ACMG Guidelines, 2015. Collection method: clinical testing. Allele origin: germline. Affected: no.

Breakthrough Genomics
Classification: Benign. Review status: criteria provided, single submitter. Criteria: ACMG Guidelines, 2015. Collection method: not provided. Allele origin: germline. Inheritance: Autosomal recessive inheritance. Affected: yes.

PreventionGenetics, part of Exact Sciences
Classification: Benign for NUP62-related condition. Last evaluated: 2019-07-08. Review status: no assertion criteria provided. Collection method: clinical testing. Allele origin: germline. Not counted in ClinVar's aggregate classification.
Comment: This variant is classified as benign based on ACMG/AMP sequence variant interpretation guidelines (Richards et al. 2015 PMID: 25741868, with internal and published modifications).

Genetic Services Laboratory, University of Chicago
Classification: Likely benign for AllHighlyPenetrant. Review status: no assertion criteria provided. Collection method: clinical testing. Allele origin: germline. Inheritance: Autosomal recessive inheritance. Not counted in ClinVar's aggregate classification.
Comment: Likely benign based on allele frequency in 1000 Genomes Project or ESP global frequency and its presence in a patient with a rare or unrelated disease phenotype. NOT Sanger confirmed.

NM_016553.5(NUP62):c.848G>C (p.Ser283Thr)

Genes: IL4I1 (interleukin 4 induced 1; minus strand), NUP62 (nucleoporin 62; minus strand). Cytogenetic location: 19q13.33.
Variant type: single nucleotide variant.
Coding change: c.848G>C on transcript NM_016553.5 (MANE Select); coding-DNA position 848, G replaced by C.
Protein change: p.Ser283Thr; replaces serine 283 with threonine.
Molecular consequence: missense variant. On other transcripts: intron variant (3).
Genome position (GRCh38, 1-based): chr19:49,908,960, C>G on the plus strand (G>C on the coding strand, the complement: NUP62 is on the minus strand). VCF-style: chr19-49908960-C-G. GRCh37 (hg19) VCF-style: chr19-50412217-C-G.
Other names: c.848G>C, p.Ser283Thr (NM_001193357.2, NM_012346.5, NM_153718.4 and 1 more transcripts); c.-227-4639G>C (NM_001258017.2, NM_172374.3); c.-285-4639G>C (NM_001258018.2); short protein forms S283T.
Identifiers: ClinVar variation 129849 (VCV000129849.22), dbSNP rs1062798, ClinGen allele CA154185.